The following is an entry in ClinVar:

NM_006348.5(COG5):c.571A>G (p.Ile191Val)

Gene: COG5 (component of oligomeric golgi complex 5; minus strand). Cytogenetic location: 7q22.3.
Variant type: single nucleotide variant.
Coding change: c.571A>G on transcript NM_006348.5 (MANE Select); coding-DNA position 571, A replaced by G.
Protein change: p.Ile191Val; replaces isoleucine 191 with valine.
Molecular consequence: missense variant. On other transcripts: intron variant (2).
Genome position (GRCh38, 1-based): chr7:107,412,600, T>C on the plus strand (A>G on the coding strand, the complement: COG5 is on the minus strand). VCF-style: chr7-107412600-T-C. GRCh37 (hg19) VCF-style: chr7-107053045-T-C.
Other names: c.571A>G, p.Ile191Val (NM_001161520.2, NM_001379511.1, NM_001379512.1 and 3 more transcripts); c.235-50490A>G (NM_001379516.1); c.539-114254A>G (NM_001379515.1); short protein forms I191V.
Identifiers: ClinVar variation 1983893 (VCV001983893.2), dbSNP rs1584789815, ClinGen allele CA368939103.

ClinVar aggregate classification (germline): Uncertain significance (1 of 4 stars; one submission).

Conditions:
COG5-congenital disorder of glycosylation. Also called: COG5-CDG; CDG IIi; CONGENITAL DISORDER OF GLYCOSYLATION, TYPE IIi. Identifiers: Orphanet 263487, MedGen C3150876, MONDO:0013325, OMIM 613612.

gnomAD v4.1: 1 of 1,572,484 alleles (0.000064%); highest among the groups gnomAD compares: Non-Finnish European, 0.000087%; no homozygotes.

Submission:

Labcorp Genetics (formerly Invitae), Labcorp
Classification: Uncertain significance for COG5-congenital disorder of glycosylation. Last evaluated: 2022-06-25. Review status: criteria provided, single submitter. Criteria: Invitae Variant Classification Sherloc (09022015). Collection method: clinical testing. Allele origin: germline.
Comment: In summary, the available evidence is currently insufficient to determine the role of this variant in disease. Therefore, it has been classified as a Variant of Uncertain Significance. Algorithms developed to predict the effect of missense changes on protein structure and function (SIFT, PolyPhen-2, Align-GVGD) all suggest that this variant is likely to be disruptive. This variant has not been reported in the literature in individuals affected with COG5-related conditions. This variant is not present in population databases (gnomAD no frequency). This sequence change replaces isoleucine, which is neutral and non-polar, with valine, which is neutral and non-polar, at codon 222 of the COG5 protein (p.Ile222Val).